The following is an entry in ClinVar:

NM_002470.4(MYH3):c.4475C>T (p.Ala1492Val)

Gene: MYH3 (myosin heavy chain 3; minus strand). Cytogenetic location: 17p13.1.
Variant type: single nucleotide variant.
Coding change: c.4475C>T on transcript NM_002470.4 (MANE Select); coding-DNA position 4475, C replaced by T.
Protein change: p.Ala1492Val; replaces alanine 1492 with valine.
Molecular consequence: missense variant.
Genome position (GRCh38, 1-based): chr17:10,634,064, G>A on the plus strand (C>T on the coding strand, the complement: MYH3 is on the minus strand). VCF-style: chr17-10634064-G-A. GRCh37 (hg19) VCF-style: chr17-10537381-G-A.
Other names: c.4475C>T (NM_002470.3); short protein forms A1492V.
Identifiers: ClinVar variation 2198288 (VCV002198288.6), dbSNP rs376951520, ClinGen allele CA8392221.

ClinVar aggregate classification (germline): Uncertain significance. Review status: criteria provided, multiple submitters, no conflicts (2 of 4 stars). 2 submissions from 2 submitters: Uncertain significance (2). Last evaluated 2025-11-24.

Conditions:
Inborn genetic diseases. Identifiers: MedGen C0950123, MeSH D030342.

Allele frequency attached by ClinVar (database versions not stated): ExAC 0.00003; TOPMed 0.00003; gnomAD exomes 0.00004; ESP Exome Variant Server 0.00008.
gnomAD v4.1: 51 of 1,614,160 alleles (0.0032%); highest among the groups gnomAD compares: Non-Finnish European, 0.0042%; no homozygotes.

Submissions (2):

Ambry Genetics
Classification: Uncertain significance for Inborn genetic diseases. Last evaluated: 2025-11-24. Review status: criteria provided, single submitter. Criteria: Ambry Variant Classification Scheme 2023. Collection method: clinical testing. Allele origin: germline.

Labcorp Genetics (formerly Invitae), Labcorp
Classification: Uncertain significance. Last evaluated: 2025-03-05. Review status: criteria provided, single submitter. Criteria: Invitae Variant Classification Sherloc (09022015). Collection method: clinical testing. Allele origin: germline.
Comment: This sequence change replaces alanine, which is neutral and non-polar, with valine, which is neutral and non-polar, at codon 1492 of the MYH3 protein (p.Ala1492Val). This variant is present in population databases (rs376951520, gnomAD 0.004%). This variant has not been reported in the literature in individuals affected with MYH3-related conditions. ClinVar contains an entry for this variant (Variation ID: 2198288). Invitae Evidence Modeling of protein sequence and biophysical properties (such as structural, functional, and spatial information, amino acid conservation, physicochemical variation, residue mobility, and thermodynamic stability) indicates that this missense variant is not expected to disrupt MYH3 protein function with a negative predictive value of 95%. In summary, the available evidence is currently insufficient to determine the role of this variant in disease. Therefore, it has been classified as a Variant of Uncertain Significance.